The following is an entry in ClinVar:

NM_001244710.2(GFPT1):c.55A>G (p.Ile19Val)

Gene: GFPT1 (glutamine--fructose-6-phosphate transaminase 1; minus strand). Cytogenetic location: 2p13.3.
Variant type: single nucleotide variant.
Coding change: c.55A>G on transcript NM_001244710.2 (MANE Select); coding-DNA position 55, A replaced by G.
Protein change: p.Ile19Val; replaces isoleucine 19 with valine.
Molecular consequence: missense variant.
Genome position (GRCh38, 1-based): chr2:69,374,066, T>C on the plus strand (A>G on the coding strand, the complement: GFPT1 is on the minus strand). VCF-style: chr2-69374066-T-C. GRCh37 (hg19) VCF-style: chr2-69601198-T-C.
Other names: c.55A>G, p.Ile19Val (NM_002056.4); short protein forms I19V.
Identifiers: ClinVar variation 3668584 (VCV003668584.2).

ClinVar aggregate classification (germline): Uncertain significance (1 of 4 stars; one submission).

Conditions:
Congenital myasthenic syndrome 12 (CMS12). Also called: MYASTHENIC SYNDROME, CONGENITAL, WITH TUBULAR AGGREGATES 1; Myasthenia, congenital, 12, with tubular aggregates. Identifiers: Orphanet 353327, Orphanet 590, MedGen C3552335, MONDO:0012518, OMIM 610542.

gnomAD v4.1: 2 of 1,601,658 alleles (0.00012%); highest among the groups gnomAD compares: East Asian, 0.0022%; no homozygotes.

Submission:

Labcorp Genetics (formerly Invitae), Labcorp
Classification: Uncertain significance for Congenital myasthenic syndrome 12. Last evaluated: 2024-10-10. Review status: criteria provided, single submitter. Criteria: Invitae Variant Classification Sherloc (09022015). Collection method: clinical testing. Allele origin: germline.
Comment: This sequence change replaces isoleucine, which is neutral and non-polar, with valine, which is neutral and non-polar, at codon 19 of the GFPT1 protein (p.Ile19Val). This variant is present in population databases (rs548685453, gnomAD 0.003%). This variant has not been reported in the literature in individuals affected with GFPT1-related conditions. Invitae Evidence Modeling of protein sequence and biophysical properties (such as structural, functional, and spatial information, amino acid conservation, physicochemical variation, residue mobility, and thermodynamic stability) indicates that this missense variant is not expected to disrupt GFPT1 protein function with a negative predictive value of 80%. In summary, the available evidence is currently insufficient to determine the role of this variant in disease. Therefore, it has been classified as a Variant of Uncertain Significance.